The following is an entry in ClinVar:

ClinVar aggregate classification (germline): Pathogenic/Likely pathogenic. Review status: criteria provided, multiple submitters, no conflicts (2 of 4 stars). 7 submissions from 7 submitters: Pathogenic (4); Likely pathogenic (1). 2 of the submissions do not count toward it. Last evaluated 2024-11-07.

Conditions:
Inborn genetic diseases. Identifiers: MedGen C0950123, MeSH D030342.
Intellectual disability, autosomal dominant 16 (CSS4). Also called: COFFIN-SIRIS SYNDROME 4. Identifiers: Orphanet 1465, MedGen C3553249, MONDO:0013821, OMIM 614609.

Submissions (7):

3billion
Classification: Pathogenic for Intellectual disability, autosomal dominant 16. Last evaluated: 2024-11-07. Review status: criteria provided, single submitter. Criteria: ACMG Guidelines, 2015. Collection method: clinical testing. Allele origin: germline. Affected: yes.
Comment: The variant is not observed in the gnomAD v4.1.0 dataset. Predicted Consequence/Location: Missense variant In silico tool predictions suggest damaging effect of the variant on gene or gene product [REVEL: 0.94 (>=0.6, sensitivity 0.68 and specificity 0.92); 3Cnet: 0.99 (>=0.6, sensitivity 0.72 and precision 0.9)]. The same nucleotide change resulting in the same amino acid change has been previously reported as pathogenic/likely pathogenic with strong evidence (ClinVar ID: VCV000030344). The variant has been previously reported as assumed (i.e. paternity and maternity not confirmed) de novo in at least one similarly affected unrelated individual (PMID: 22426308). A different missense change at the same codon (p.Arg885His) has been reported as pathogenic/likely pathogenic with strong evidence (ClinVar ID: VCV000420093 /PMID: 23637025). Therefore, this variant is classified as Pathogenic according to the recommendation of ACMG/AMP guideline.

Genome-Nilou Lab
Classification: Likely pathogenic for Intellectual disability, autosomal dominant 16. Last evaluated: 2021-07-15. Review status: criteria provided, single submitter. Criteria: ACMG Guidelines, 2015. Collection method: clinical testing. Allele origin: germline. Affected: no.

GeneDx
Classification: Pathogenic. Last evaluated: 2018-03-23. Review status: criteria provided, single submitter. Criteria: GeneDx Variant Classification (06012015). Collection method: clinical testing. Allele origin: germline. Affected: yes.
Comment: The R885C variant in the SMARCA4 gene has been reported previously in at least one individual with Coffin-Siris syndrome (Tsurusaki et al., 2012). The R885C variant was not observed in approximately 6,500 individuals of European and African American ancestry in the NHLBI Exome Sequencing Project, indicating it is not a common benign variant in these populations. The R885C variant is a non-conservative amino acid substitution, which is likely to impact secondary protein structure as these residues differ in polarity, charge, size and/or other properties. This substitution occurs at a position that is conserved across species, and in silico analysis predicts this variant is probably damaging to the protein structure/function. A missense variant at the same residue (R885H) has been reported in the Human Gene Mutation Database in association with Coffin-Siris Syndrome (Kosho et al., 2013; Stenson et al., 2014), supporting the functional importance of this region of the protein. Based on currently available evidence, we interpret R885C as a pathogenic variant.

Institute of Human Genetics Munich, TUM University Hospital
Classification: Pathogenic for Intellectual disability, autosomal dominant 16. Last evaluated: 2017-09-07. Review status: criteria provided, single submitter. Criteria: Classification criteria August 2017. Collection method: clinical testing. Allele origin: de novo. Inheritance: Autosomal dominant inheritance. Affected: yes. Observed: 1 heterozygote.

Ambry Genetics
Classification: Pathogenic for Inborn genetic diseases. Last evaluated: 2016-03-10. Review status: criteria provided, single submitter. Criteria: Ambry exome assertion method (8-5-2015). Collection method: clinical testing. Allele origin: germline. Affected: yes. Observed: 1 variant allele.

OMIM
Classification: Pathogenic for COFFIN-SIRIS SYNDROME 4. Last evaluated: 2012-03-18. Review status: no assertion criteria provided. Collection method: literature only. Allele origin: germline. Not counted in ClinVar's aggregate classification.

UniProtKB/Swiss-Prot
No classification provided. Review status: no classification provided. Collection method: not provided. Allele origin: not provided. Not counted in ClinVar's aggregate classification.

Literature cited by the submitters: PubMed 23637025 (cited by 3billion and Ambry Genetics); PubMed 22426308 (cited by 3 submitters); PubMed 10601012 (cited by Ambry Genetics).

NM_003072.5(SMARCA4):c.2653C>T (p.Arg885Cys)

Gene: SMARCA4 (SWI/SNF related BAF chromatin remodeling complex subunit ATPase 4; plus strand). Cytogenetic location: 19p13.2.
Variant type: single nucleotide variant.
Coding change: c.2653C>T on transcript NM_003072.5 (MANE Select); coding-DNA position 2653, C replaced by T.
Protein change: p.Arg885Cys; replaces arginine 885 with cysteine.
Molecular consequence: missense variant. On other transcripts: non-coding transcript variant (1).
Genome position (GRCh38, 1-based): chr19:11,021,761, C>T. VCF-style: chr19-11021761-C-T. GRCh37 (hg19) VCF-style: chr19-11132437-C-T.
Other names: c.2653C>T, p.Arg885Cys (NM_001128844.3, NM_001128845.2, NM_001128846.2 and 5 more transcripts); short protein forms R885C.
Identifiers: ClinVar variation 30344 (VCV000030344.9), dbSNP rs281875227, ClinGen allele CA129130.